The following is an entry in ClinVar:

NM_025243.4(SLC19A3):c.403C>A (p.His135Asn)

Gene: SLC19A3 (solute carrier family 19 member 3; minus strand). Cytogenetic location: 2q36.3.
Variant type: single nucleotide variant.
Coding change: c.403C>A on transcript NM_025243.4 (MANE Select); coding-DNA position 403, C replaced by A.
Protein change: p.His135Asn; replaces histidine 135 with asparagine.
Molecular consequence: missense variant.
Genome position (GRCh38, 1-based): chr2:227,699,312, G>T on the plus strand (C>A on the coding strand, the complement: SLC19A3 is on the minus strand). VCF-style: chr2-227699312-G-T. GRCh37 (hg19) VCF-style: chr2-228564028-G-T.
Other names: c.403C>A, p.His135Asn (NM_001371411.1, NM_001371412.1); c.391C>A, p.His131Asn (NM_001371413.1, NM_001371414.1); short protein forms H135N, H131N.
Identifiers: ClinVar variation 1377969 (VCV001377969.6), dbSNP rs2106329285, ClinGen allele CA350877290.

ClinVar aggregate classification (germline): Uncertain significance (1 of 4 stars; one submission).

Conditions:
Biotin-responsive basal ganglia disease (BTBGD). Also called: Thiamine metabolism dysfunction syndrome type 2; Thiamine Transporter-2 Deficiency; THIAMINE METABOLISM DYSFUNCTION SYNDROME 2 (BIOTIN- AND THIAMINE-RESPONSIVE TYPE); Thiamine metabolism dysfunction syndrome 2 (biotin- or thiamine-responsive encephalopathy type 2); thiamine-responsive encephalopathy. Identifiers: Orphanet 199348, Orphanet 65284, MedGen C1843807, MONDO:0011841, OMIM 607483.

Submission:

Labcorp Genetics (formerly Invitae), Labcorp
Classification: Uncertain significance for Biotin-responsive basal ganglia disease. Last evaluated: 2024-10-29. Review status: criteria provided, single submitter. Criteria: Invitae Variant Classification Sherloc (09022015). Collection method: clinical testing. Allele origin: germline.
Comment: This sequence change replaces histidine, which is basic and polar, with asparagine, which is neutral and polar, at codon 135 of the SLC19A3 protein (p.His135Asn). This variant is not present in population databases (gnomAD no frequency). This variant has not been reported in the literature in individuals affected with SLC19A3-related conditions. ClinVar contains an entry for this variant (Variation ID: 1377969). Invitae Evidence Modeling of protein sequence and biophysical properties (such as structural, functional, and spatial information, amino acid conservation, physicochemical variation, residue mobility, and thermodynamic stability) has been performed for this missense variant. However, the output from this modeling did not meet the statistical confidence thresholds required to predict the impact of this variant on SLC19A3 protein function. In summary, the available evidence is currently insufficient to determine the role of this variant in disease. Therefore, it has been classified as a Variant of Uncertain Significance.